The following is an entry in ClinVar:

ClinVar aggregate classification (germline): Uncertain significance (1 of 4 stars; one submission).

Conditions:
Von Hippel-Lindau syndrome (VHLS). Also called: Von Hippel-Lindau; von Hippel–Lindau syndrome; VHL syndrome. Identifiers: Orphanet 892, MedGen C0019562, MONDO:0008667, OMIM 193300. Disease mechanism: loss of function.
Chuvash polycythemia. Also called: POLYCYTHEMIA, VHL-DEPENDENT. Identifiers: Orphanet 238557, MedGen C1837915, MONDO:0009892, OMIM 263400.

Submission:

Labcorp Genetics (formerly Invitae), Labcorp
Classification: Uncertain significance for Von Hippel-Lindau syndrome; Chuvash polycythemia. Last evaluated: 2020-10-28. Review status: criteria provided, single submitter. Criteria: Invitae Variant Classification Sherloc (09022015). Collection method: clinical testing. Allele origin: germline.
Comment: This sequence change falls in intron 1 of the VHL gene. It is not expected to change the encoded amino acid sequence of the VHL protein. However, this sequence change falls within a cryptic exon in the VHL gene, known as exon E1’, which is naturally expressed at low levels in several human tissues (PMID: 29891534). The frequency data for this variant in the population databases is considered unreliable, as metrics indicate insufficient coverage at this position in the ExAC database. This variant has not been reported in the literature in individuals with VHL-related conditions. Experimental studies and prediction algorithms are not available or were not evaluated, and the functional significance of this variant is currently unknown. In summary, the available evidence is currently insufficient to determine the role of this variant in disease. Therefore, it has been classified as a Variant of Uncertain Significance.

Literature cited by the submitters: PubMed 29891534.

NM_000551.4(VHL):c.340+827A>G

Genes: VHL (von Hippel-Lindau tumor suppressor; plus strand), LOC107303340 (3p25 von Hippel-Lindau tumor suppressor, E3 ubiquitin protein ligase Alu-mediated recombination region; plus strand). Cytogenetic location: 3p25.3.
Variant type: single nucleotide variant.
Coding change: c.340+827A>G on transcript NM_000551.4 (MANE Select); 827 bases into the intron after coding-DNA position 340, A replaced by G.
Molecular consequence: intron variant. On other transcripts: 3 prime UTR variant (1).
Genome position (GRCh38, 1-based): chr3:10,143,014, A>G. VCF-style: chr3-10143014-A-G. GRCh37 (hg19) VCF-style: chr3-10184698-A-G.
Other names: c.*10A>G (NM_001354723.2); c.340+827A>G (NM_198156.3).
Identifiers: ClinVar variation 1494651 (VCV001494651.8), dbSNP rs2125126136, ClinGen allele CA2573136152.